The following is an entry in ClinVar:

ClinVar aggregate classification (germline): Likely benign. Review status: criteria provided, multiple submitters, no conflicts (2 of 4 stars). 7 submissions from 7 submitters: Likely benign (7). Last evaluated 2025-03-04.

Conditions:
Hereditary cancer-predisposing syndrome. Also called: Hereditary neoplastic syndrome; Neoplastic Syndromes, Hereditary; Hereditary Cancer Syndrome; Tumor predisposition. Identifiers: Orphanet 140162, MedGen C0027672, MeSH D009386, MONDO:0015356.
Hereditary breast ovarian cancer syndrome. Also called: BRCA1- and BRCA2-Associated Hereditary Breast and Ovarian Cancer; Hereditary breast and ovarian cancer syndrome; Hereditary breast and/or ovarian cancer syndrome; Hereditary breast and ovarian cancer syndrome (HBOC); Hereditary breast and ovarian cancer; Breast and ovarian cancer. Identifiers: Orphanet 145, MedGen C0677776, MeSH D061325, MONDO:0003582. Disease mechanism: loss of function.

Submissions (7):

Center for Genomic Medicine, Rigshospitalet, Copenhagen University Hospital
Classification: Likely benign. Last evaluated: 2025-03-04. Review status: criteria provided, single submitter. Criteria: ACMG Guidelines, 2015. Collection method: clinical testing. Allele origin: germline.

Labcorp Genetics (formerly Invitae), Labcorp
Classification: Likely benign for Hereditary breast ovarian cancer syndrome. Last evaluated: 2024-12-19. Review status: criteria provided, single submitter. Criteria: Invitae Variant Classification Sherloc (09022015). Collection method: clinical testing. Allele origin: germline.

Blueprint Genetics
Classification: Likely benign. Last evaluated: 2024-01-31. Review status: criteria provided, single submitter. Criteria: ACMG Guidelines, 2015. Collection method: clinical testing. Allele origin: germline.

Color Diagnostics, LLC DBA Color Health
Classification: Likely benign for Hereditary cancer-predisposing syndrome. Last evaluated: 2024-01-08. Review status: criteria provided, single submitter. Criteria: ACMG Guidelines, 2015. Collection method: clinical testing. Allele origin: germline.

Sema4
Classification: Likely benign for Hereditary cancer-predisposing syndrome. Last evaluated: 2022-03-04. Review status: criteria provided, single submitter. Criteria: Sema4 Curation Guidelines. Collection method: curation. Allele origin: germline.

ARUP Laboratories, Molecular Genetics and Genomics, ARUP Laboratories
Classification: Likely benign. Last evaluated: 2017-08-25. Review status: criteria provided, single submitter. Criteria: ARUP Molecular Germline Variant Investigation Process. Collection method: clinical testing. Allele origin: germline.
Comment: The BRCA1 c.3597T>A;p.Ala1199Ala variant has not been described in the medical literature, gene-specific databases, or the ClinVar database. The variant is not listed in the dbSNP variant database or in the general population-based databases (Exome Variant Server, Genome Aggregation Database). The nucleotide at this position is weakly conserved across species and computational algorithms (SpliceSiteFinder-like, MaxEntScan, NNSplice, GeneSplicer, Human Splicing Finder) predict this variant will not alter splicing. Considering available information, this variant is classified as likely benign.

Ambry Genetics
Classification: Likely benign for Hereditary cancer-predisposing syndrome. Last evaluated: 2016-12-20. Review status: criteria provided, single submitter. Criteria: Ambry Variant Classification Scheme 2023. Collection method: clinical testing. Allele origin: germline.

NM_007294.4(BRCA1):c.3597T>A (p.Ala1199=)

Genes: BRCA1 (BRCA1 DNA repair associated; minus strand), LOC126862571 (BRD4-independent group 4 enhancer GRCh37_chr17:41243136-41244335; plus strand). Cytogenetic location: 17q21.31.
Variant type: single nucleotide variant.
Coding change: c.3597T>A on transcript NM_007294.4 (MANE Select); coding-DNA position 3597, T replaced by A.
Protein change: p.Ala1199=; no amino-acid change (alanine 1199 retained).
Molecular consequence: synonymous variant. On other transcripts: intron variant (135).
Genome position (GRCh38, 1-based): chr17:43,091,934, A>T on the plus strand (T>A on the coding strand, the complement: BRCA1 is on the minus strand). VCF-style: chr17-43091934-A-T. GRCh37 (hg19) VCF-style: chr17-41243951-A-T.
Other names: c.3384T>A, p.Ala1128= (NM_001407571.1, NM_001407853.1, NM_001407894.1 and 9 more transcripts); c.3597T>A, p.Ala1199= (NM_001407581.1, NM_001407582.1, NM_001407583.1 and 30 more transcripts); c.3594T>A, p.Ala1198= (NM_001407587.1, NM_001407590.1, NM_001407591.1 and 22 more transcripts); c.3588T>A, p.Ala1196= (NM_001407646.1, NM_001407647.1); c.3474T>A, p.Ala1158= (NM_001407648.1, NM_001407664.1, NM_001407665.1 and 19 more transcripts); c.3471T>A, p.Ala1157= (NM_001407649.1, NM_001407670.1, NM_001407671.1 and 11 more transcripts); c.3519T>A, p.Ala1173= (NM_001407653.1, NM_001407654.1, NM_001407655.1 and 4 more transcripts); c.3516T>A, p.Ala1172= (NM_001407659.1, NM_001407660.1, NM_001407661.1 and 1 more transcripts); and 41 more.
Identifiers: ClinVar variation 462615 (VCV000462615.23), dbSNP rs1555587434, ClinGen allele CA500232020.